The following is an entry in ClinVar:

NM_001042492.3(NF1):c.4724+1G>A

Gene: NF1 (neurofibromin 1; plus strand). Cytogenetic location: 17q11.2.
Variant type: single nucleotide variant.
Coding change: c.4724+1G>A on transcript NM_001042492.3 (MANE Select); the canonical splice donor site of the intron after coding-DNA position 4724, G replaced by A.
Molecular consequence: splice donor variant.
Genome position (GRCh38, 1-based): chr17:31,261,858, G>A. VCF-style: chr17-31261858-G-A. GRCh37 (hg19) VCF-style: chr17-29588876-G-A.
Other names: c.4661+1G>A (NM_000267.4).
Identifiers: ClinVar variation 457713 (VCV000457713.19), dbSNP rs1555619056, ClinGen allele CA399000689.

ClinVar aggregate classification (germline): Pathogenic/Likely pathogenic. Review status: criteria provided, multiple submitters, no conflicts (2 of 4 stars). 5 submissions from 5 submitters: Pathogenic (2); Likely pathogenic (2). 1 of the submissions does not count toward it. Last evaluated 2025-09-25.

Conditions:
Vascular dilatation. Also called: Aneurysm. Identifiers: MedGen C0002940, HP:0002617.
Neurofibroma. Identifiers: Orphanet 252183, MedGen C0027830, MeSH D009455, MONDO:0016755, HP:0001067.
Neurofibromatosis, type 1 (NF1). Also called: Neurofibromatosis, type I; Peripheral type neurofibromatosis; NEUROFIBROMATOSIS, TYPE I, SOMATIC; VON RECKLINGHAUSEN DISEASE. Identifiers: Orphanet 636, MedGen C0027831, MONDO:0018975, OMIM 162200. Disease mechanism: loss of function.

Submissions (5):

NHS Central & South Genomic Laboratory Hub
Classification: Likely pathogenic for Neurofibromatosis type 1. Last evaluated: 2025-09-25. Review status: criteria provided, single submitter. Criteria: ACMG Guidelines, 2015. Collection method: clinical testing. Allele origin: germline. Affected: yes.

Labcorp Genetics (formerly Invitae), Labcorp
Classification: Pathogenic for Neurofibromatosis, type 1. Last evaluated: 2024-07-12. Review status: criteria provided, single submitter. Criteria: Invitae Variant Classification Sherloc (09022015). Collection method: clinical testing. Allele origin: germline.
Comment: This sequence change affects a donor splice site in intron 34 of the NF1 gene. It is expected to disrupt RNA splicing. Variants that disrupt the donor or acceptor splice site typically lead to a loss of protein function (PMID: 16199547), and loss-of-function variants in NF1 are known to be pathogenic (PMID: 10712197, 23913538). This variant is not present in population databases (gnomAD no frequency). Disruption of this splice site has been observed in individuals with symptoms consistent with neurofibromatosistype 1 (NF1) (PMID: 19449407; Invitae). ClinVar contains an entry for this variant (Variation ID: 457713). Algorithms developed to predict the effect of sequence changes on RNA splicing suggest that this variant may disrupt the consensus splice site. For these reasons, this variant has been classified as Pathogenic.

Genome-Nilou Lab
Classification: Pathogenic for Neurofibromatosis, type 1. Last evaluated: 2022-03-15. Review status: criteria provided, single submitter. Criteria: ACMG Guidelines, 2015. Collection method: clinical testing. Allele origin: germline. Affected: no.

ARUP Laboratories, Molecular Genetics and Genomics, ARUP Laboratories
Classification: Likely pathogenic. Last evaluated: 2019-02-07. Review status: criteria provided, single submitter. Criteria: ARUP Molecular Germline Variant Investigation Process. Collection method: clinical testing. Allele origin: germline.
Comment: The NF1 c.4724+1G>A variant (c.4661+1G>A for NM_000267.3), to our knowledge, is not described in the medical literature but contains an entry in ClinVar (Variation ID: 457713). It is absent from general population databases (Exome Variant Server and Genome Aggregation Database), indicating it is not a common polymorphism. This variant abolishes the canonical splice donor site of intron 35, which would result in the loss of 49 amino acid residues if a stable protein were produced, leaving the rest of the protein in-frame. Another variant at this nucleotide position (c.4661+1G>C using transcript NM_000267.3) has been described in a family with neurofibromatosis type 1 (NF1) and mRNA analysis of this variant demonstrated aberrant splicing (Thiel 2009). Additional variants that disrupt the canonical splice acceptor site for this exon that are predicted to result in the same protein product have been described in individuals affected with NF1 (Fahsold 2000, Mattocks 2004). Based on available information, c.4724+1G>A is considered likely pathogenic. REFERENCES Fahsold R et al. Minor lesion mutational spectrum of the entire NF1 gene does not explain its high mutability but points to a functional domain upstream of the GAP-related domain. Am J Hum Genet. 2000 Mar;66(3):790-818. Mattocks C et al. Automated comparative sequence analysis identifies mutations in 89% of NF1 patients and confirms a mutation cluster in exons 11-17 distinct from the GAP related domain. J Med Genet. 2004 Apr;41(4):e48. Thiel C et al. Independent NF1 and PTPN11 mutations in a family with neurofibromatosis-Noonan syndrome. Am J Med Genet A. 2009 Jun;149A(6):1263-7.

NIHR Bioresource Rare Diseases, University of Cambridge
Classification: Pathogenic for Neurofibroma; Vascular dilatation. Review status: no assertion criteria provided. Collection method: research. Allele origin: unknown. Affected: yes. Observed: 1 variant allele. Not counted in ClinVar's aggregate classification.

Literature cited by the submitters: PubMed 16199547 (cited by Labcorp Genetics (formerly Invitae), Labcorp); PubMed 10712197 (cited by Labcorp Genetics (formerly Invitae), Labcorp); PubMed 23913538 (cited by Labcorp Genetics (formerly Invitae), Labcorp); PubMed 19449407 (cited by Labcorp Genetics (formerly Invitae), Labcorp); PubMed 32581362 (cited by NIHR Bioresource Rare Diseases, University of Cambridge).